The following is an entry in ClinVar:

ClinVar aggregate classification (germline): Likely benign. Review status: criteria provided, single submitter (1 of 4 stars). 2 submissions from 2 submitters: Likely benign (1). 1 of the submissions does not count toward it. Last evaluated 2021-12-12.

Conditions:
LRBA-related disorder. Also called: LRBA-related condition.
Combined immunodeficiency due to LRBA deficiency. Also called: Common variable immunodeficiency 8, with autoimmunity. Identifiers: Orphanet 445018, MedGen C3553512, MONDO:0013863, OMIM 614700.

Allele frequency attached by ClinVar (database versions not stated): gnomAD exomes below 0.00001; gnomAD 0.00001; TOPMed 0.00001; ESP Exome Variant Server 0.00008.
gnomAD v4.1: 6 of 1,611,136 alleles (0.00037%); highest among the groups gnomAD compares: Admixed American, 0.0017%; no homozygotes.

Submissions (2):

Labcorp Genetics (formerly Invitae), Labcorp
Classification: Likely benign for Combined immunodeficiency due to LRBA deficiency. Last evaluated: 2021-12-12. Review status: criteria provided, single submitter. Criteria: Invitae Variant Classification Sherloc (09022015). Collection method: clinical testing. Allele origin: germline.

PreventionGenetics, part of Exact Sciences
Classification: Likely benign for LRBA-related condition. Last evaluated: 2019-02-26. Review status: no assertion criteria provided. Collection method: clinical testing. Allele origin: germline. Not counted in ClinVar's aggregate classification.
Comment: This variant is classified as likely benign based on ACMG/AMP sequence variant interpretation guidelines (Richards et al. 2015 PMID: 25741868, with internal and published modifications).

NM_001364905.1(LRBA):c.1938T>C (p.Pro646=)

Gene: LRBA (LPS responsive beige-like anchor protein; minus strand). Cytogenetic location: 4q31.3.
Variant type: single nucleotide variant.
Coding change: c.1938T>C on transcript NM_001364905.1 (MANE Select); coding-DNA position 1938, T replaced by C.
Protein change: p.Pro646=; no amino-acid change (proline 646 retained).
Molecular consequence: synonymous variant.
Genome position (GRCh38, 1-based): chr4:150,897,805, A>G on the plus strand (T>C on the coding strand, the complement: LRBA is on the minus strand). VCF-style: chr4-150897805-A-G. GRCh37 (hg19) VCF-style: chr4-151818957-A-G.
Other names: c.1938T>C, p.Pro646= (NM_001199282.3, NM_001367550.1, NM_006726.5).
Identifiers: ClinVar variation 2418045 (VCV002418045.9), dbSNP rs368474928, ClinGen allele CA107814810.